The following is an entry in ClinVar:

ClinVar aggregate classification (germline): Uncertain significance. Review status: criteria provided, multiple submitters, no conflicts (2 of 4 stars). 2 submissions from 2 submitters: Uncertain significance (2). Last evaluated 2023-06-12.

Conditions:
Hypertrophic cardiomyopathy. Also called: HYPERTROPHIC MYOCARDIOPATHY. Identifiers: Orphanet 217569, MedGen C0007194, MeSH D002312, MONDO:0005045, HP:0001639.
Cardiovascular phenotype. Identifiers: MedGen CN230736.

Submissions (2):

Ambry Genetics
Classification: Uncertain significance for Cardiovascular phenotype. Last evaluated: 2023-06-12. Review status: criteria provided, single submitter. Criteria: Ambry Variant Classification Scheme 2023. Collection method: clinical testing. Allele origin: germline.
Comment: The p.S1412P variant (also known as c.4234T>C), located in coding exon 29 of the MYH7 gene, results from a T to C substitution at nucleotide position 4234. The serine at codon 1412 is replaced by proline, an amino acid with similar properties. This amino acid position is well conserved in available vertebrate species. In addition, the in silico prediction for this alteration is inconclusive. Since supporting evidence is limited at this time, the clinical significance of this alteration remains unclear.

Labcorp Genetics (formerly Invitae), Labcorp
Classification: Uncertain significance for Hypertrophic cardiomyopathy. Last evaluated: 2022-04-21. Review status: criteria provided, single submitter. Criteria: Invitae Variant Classification Sherloc (09022015). Collection method: clinical testing. Allele origin: germline.
Comment: This sequence change replaces serine, which is neutral and polar, with proline, which is neutral and non-polar, at codon 1412 of the MYH7 protein (p.Ser1412Pro). This variant is not present in population databases (gnomAD no frequency). In summary, the available evidence is currently insufficient to determine the role of this variant in disease. Therefore, it has been classified as a Variant of Uncertain Significance. Algorithms developed to predict the effect of missense changes on protein structure and function are either unavailable or do not agree on the potential impact of this missense change (SIFT: "Deleterious"; PolyPhen-2: "Probably Damaging"; Align-GVGD: "Class C0"). This variant has not been reported in the literature in individuals affected with MYH7-related conditions.

NM_000257.4(MYH7):c.4234T>C (p.Ser1412Pro)

Gene: MYH7 (myosin heavy chain 7; minus strand). Cytogenetic location: 14q11.2.
Variant type: single nucleotide variant.
Coding change: c.4234T>C on transcript NM_000257.4 (MANE Select); coding-DNA position 4234, T replaced by C.
Protein change: p.Ser1412Pro; replaces serine 1412 with proline.
Molecular consequence: missense variant.
Genome position (GRCh38, 1-based): chr14:23,417,622, A>G on the plus strand (T>C on the coding strand, the complement: MYH7 is on the minus strand). VCF-style: chr14-23417622-A-G. GRCh37 (hg19) VCF-style: chr14-23886831-A-G.
Other names: c.4234T>C, p.Ser1412Pro (NM_001407004.1); short protein forms S1412P.
Identifiers: ClinVar variation 2128303 (VCV002128303.6), dbSNP rs2502251987, ClinGen allele CA389040403.